The following is an entry in ClinVar:

ClinVar aggregate classification (germline): Uncertain significance (1 of 4 stars; one submission).

Submission:

GeneDx
Classification: Uncertain significance. Last evaluated: 2024-03-02. Review status: criteria provided, single submitter. Criteria: GeneDx Variant Classification Process June 2021. Collection method: clinical testing. Allele origin: germline. Affected: yes.
Comment: In silico analysis supports a deleterious effect on splicing; Has not been previously published as pathogenic or benign to our knowledge; No data available from control populations to assess the frequency of this variant

NM_017849.4(TMEM127):c.-132+1G>C

Genes: TMEM127 (transmembrane protein 127; minus strand), LOC129934335 (ATAC-STARR-seq lymphoblastoid silent region 11761; plus strand). Cytogenetic location: 2q11.2.
Variant type: single nucleotide variant.
Coding change: c.-132+1G>C on transcript NM_017849.4 (MANE Select); the canonical splice donor site of the intron after 132 bases upstream of the start codon, G replaced by C.
Molecular consequence: splice donor variant.
Genome position (GRCh38, 1-based): chr2:96,265,868, C>G on the plus strand (G>C on the coding strand, the complement: TMEM127 is on the minus strand). VCF-style: chr2-96265868-C-G. GRCh37 (hg19) VCF-style: chr2-96931606-C-G.
Other names: c.-9+1G>C (NM_001407283.1); c.-109+1G>C (NM_001193304.3).
Identifiers: ClinVar variation 3373251 (VCV003373251.1).